The following is an entry in ClinVar:

ClinVar aggregate classification (germline): Likely benign. Review status: criteria provided, single submitter (1 of 4 stars). 2 submissions from 2 submitters: Likely benign (1). 1 of the submissions does not count toward it. Last evaluated 2026-01-05.

Conditions:
SACS-related disorder. Also called: SACS-related condition.
Spastic paraplegia. Identifiers: MedGen C0037772, HP:0001258.

Allele frequency attached by ClinVar (database versions not stated): ExAC 0.00002; gnomAD exomes 0.00002; TOPMed 0.00006; gnomAD 0.00007; ESP Exome Variant Server 0.00008; 1000 Genomes Project 30x 0.00016; 1000 Genomes Project 0.00020.

Submissions (2):

Labcorp Genetics (formerly Invitae), Labcorp
Classification: Likely benign for Spastic paraplegia. Last evaluated: 2026-01-05. Review status: criteria provided, single submitter. Criteria: Invitae Variant Classification Sherloc (09022015). Collection method: clinical testing. Allele origin: germline.

PreventionGenetics, part of Exact Sciences
Classification: Likely benign for SACS-related condition. Last evaluated: 2024-07-30. Review status: no assertion criteria provided. Collection method: clinical testing. Allele origin: germline. Not counted in ClinVar's aggregate classification.
Comment: This variant is classified as likely benign based on ACMG/AMP sequence variant interpretation guidelines (Richards et al. 2015 PMID: 25741868, with internal and published modifications).

NM_014363.6(SACS):c.8646T>C (p.His2882=)

Gene: SACS (sacsin molecular chaperone; minus strand). Cytogenetic location: 13q12.12.
Variant type: single nucleotide variant.
Coding change: c.8646T>C on transcript NM_014363.6 (MANE Select); coding-DNA position 8646, T replaced by C.
Protein change: p.His2882=; no amino-acid change (histidine 2882 retained).
Molecular consequence: synonymous variant.
Genome position (GRCh38, 1-based): chr13:23,335,230, A>G on the plus strand (T>C on the coding strand, the complement: SACS is on the minus strand). VCF-style: chr13-23335230-A-G. GRCh37 (hg19) VCF-style: chr13-23909369-A-G.
Other names: c.8205T>C, p.His2735= (NM_001278055.2).
Identifiers: ClinVar variation 701189 (VCV000701189.12), dbSNP rs374508473, ClinGen allele CA6910736.
Genomic context (GRCh38, chr13:23,335,230, plus strand): 5'-TCCATTATCATCACGCCACAGGTTCCTTCTGGCTGAATCCAGTGCAAAGTGGCCATTCAC[A>G]TGAAATGGCAGCCCAGTCTCCAAAGAAAGAGGCAAAAAACAGAAGGCCCTATGGGGTTTT-3'
Protein context (NP_055178.3, residues 2872-2892): PLSLETGLPF[His2882=]VNGHFALDSA